The following is an entry in ClinVar:

NM_005853.6(IRX5):c.896G>A (p.Gly299Asp)

Gene: IRX5 (iroquois homeobox 5; plus strand). Cytogenetic location: 16q12.2.
Variant type: single nucleotide variant.
Coding change: c.896G>A on transcript NM_005853.6 (MANE Select); coding-DNA position 896, G replaced by A.
Protein change: p.Gly299Asp; replaces glycine 299 with aspartic acid.
Molecular consequence: missense variant.
Genome position (GRCh38, 1-based): chr16:54,933,317, G>A. VCF-style: chr16-54933317-G-A. GRCh37 (hg19) VCF-style: chr16-54967229-G-A.
Other names: c.893G>A, p.Gly298Asp (NM_001252197.1); short protein forms G298D, G299D.
Identifiers: ClinVar variation 1032363 (VCV001032363.1), dbSNP rs1168229929, ClinGen allele CA396126369.

ClinVar aggregate classification (germline): Uncertain significance (1 of 4 stars; one submission).

Conditions:
Craniofacial dysplasia - osteopenia syndrome. Also called: Hamamy syndrome. Identifiers: Orphanet 314555, MedGen C1970027, MONDO:0012634, OMIM 611174.

Allele frequency attached by ClinVar (database versions not stated): TOPMed below 0.00001; gnomAD 0.00001; gnomAD exomes 0.00001.

Submission:

Baylor Genetics
Classification: Uncertain significance for Craniofacial dysplasia - osteopenia syndrome. Last evaluated: 2018-10-17. Review status: criteria provided, single submitter. Criteria: ACMG Guidelines, 2015. Collection method: clinical testing. Allele origin: unknown. Affected: yes.
Comment: This variant was determined to be of uncertain significance according to ACMG Guidelines, 2015 [PMID:25741868].